The following is an entry in ClinVar:

NM_207037.2(TCF12):c.526+2T>A

Gene: TCF12 (transcription factor 12; plus strand). Cytogenetic location: 15q21.3.
Variant type: single nucleotide variant.
Coding change: c.526+2T>A on transcript NM_207037.2 (MANE Select); the canonical splice donor site of the intron after coding-DNA position 526, T replaced by A.
Molecular consequence: splice donor variant.
Genome position (GRCh38, 1-based): chr15:57,192,295, T>A. VCF-style: chr15-57192295-T-A. GRCh37 (hg19) VCF-style: chr15-57484493-T-A.
Other names: c.526+2T>A (NM_001322151.2, NM_001322159.3, NM_001322157.3 and 7 more transcripts); c.352+2T>A (NM_001322156.2, NM_001322158.2); c.-132+2T>A (NM_001322154.2); c.562+2T>A (NM_001322164.2).
Identifiers: ClinVar variation 5001121 (VCV005001121.1).
Genomic context (GRCh38, chr15:57,192,295, plus strand): 5'-CTATTCATTCTCTGCTACAAGTTCCAGGAGGAGACCACTCCATGACTCTGCAGCGCTTGG[T>A]GAGTGTATCACACAACAAATCCCATCCCACATATGTTGTTGTTGTTTTTTCCTCCCATAA-3'

ClinVar aggregate classification (germline): Likely pathogenic (1 of 4 stars; one submission).

Conditions:
TCF12-related disorder. Also called: TCF12-related condition.

Submission:

PreventionGenetics, part of Exact Sciences
Classification: Likely pathogenic for TCF12-related condition. Last evaluated: 2024-12-04. Review status: criteria provided, single submitter. Criteria: ACMG Guidelines, 2015. Collection method: clinical testing. Allele origin: germline.
Comment: The TCF12 c.526+2T>A variant is predicted to disrupt the GT donor site and interfere with normal splicing. To our knowledge, this variant has not been reported in the literature or in a large population database (gnomAD), indicating this variant is rare. Variants that disrupt the consensus splice donor site in TCF12 are expected to be pathogenic. This variant is interpreted as likely pathogenic.